The following is an entry in ClinVar:

ClinVar aggregate classification (germline): Uncertain significance (1 of 4 stars; one submission).

Conditions:
Charcot-Marie-Tooth disease type 2E (CMT2E). Also called: CHARCOT-MARIE-TOOTH DISEASE, AXONAL, TYPE 2E; CHARCOT-MARIE-TOOTH NEUROPATHY, TYPE 2E. Identifiers: Orphanet 99939, MedGen C1843225, MONDO:0011894, OMIM 607684.

Submission:

Labcorp Genetics (formerly Invitae), Labcorp
Classification: Uncertain significance for Charcot-Marie-Tooth disease type 2E. Last evaluated: 2024-09-29. Review status: criteria provided, single submitter. Criteria: Invitae Variant Classification Sherloc (09022015). Collection method: clinical testing. Allele origin: germline.
Comment: This sequence change replaces leucine, which is neutral and non-polar, with proline, which is neutral and non-polar, at codon 254 of the NEFL protein (p.Leu254Pro). This variant is not present in population databases (gnomAD no frequency). This variant has not been reported in the literature in individuals affected with NEFL-related conditions. ClinVar contains an entry for this variant (Variation ID: 533508). Invitae Evidence Modeling of protein sequence and biophysical properties (such as structural, functional, and spatial information, amino acid conservation, physicochemical variation, residue mobility, and thermodynamic stability) indicates that this missense variant is expected to disrupt NEFL protein function with a positive predictive value of 80%. In summary, the available evidence is currently insufficient to determine the role of this variant in disease. Therefore, it has been classified as a Variant of Uncertain Significance.

NM_006158.5(NEFL):c.761T>C (p.Leu254Pro)

Gene: NEFL (neurofilament light chain; minus strand). Cytogenetic location: 8p21.2.
Variant type: single nucleotide variant.
Coding change: c.761T>C on transcript NM_006158.5 (MANE Select); coding-DNA position 761, T replaced by C.
Protein change: p.Leu254Pro; replaces leucine 254 with proline.
Molecular consequence: missense variant.
Genome position (GRCh38, 1-based): chr8:24,955,755, A>G on the plus strand (T>C on the coding strand, the complement: NEFL is on the minus strand). VCF-style: chr8-24955755-A-G. GRCh37 (hg19) VCF-style: chr8-24813269-A-G.
Other names: short protein forms L254P.
Identifiers: ClinVar variation 533508 (VCV000533508.4), dbSNP rs1554497578, ClinGen allele CA370621687.